The following is an entry in ClinVar:

NC_000022.10:g.(?_31008840)_(31019090_?)del

Gene: TCN2 (transcobalamin 2; plus strand). Cytogenetic location: 22q12.2.
Variant type: Deletion.
Identifiers: ClinVar variation 3247380 (VCV003247380.1).

ClinVar aggregate classification (germline): Pathogenic (1 of 4 stars; one submission).

Conditions:
Transcobalamin II deficiency (TCN2D). Also called: TC II DEFICIENCY; TCN2 DEFICIENCY; Transcolabamin II deficiency. Identifiers: Orphanet 859, MedGen C0342701, MONDO:0010149, OMIM 275350.

Submission:

Labcorp Genetics (formerly Invitae), Labcorp
Classification: Pathogenic for Transcobalamin II deficiency. Last evaluated: 2024-01-13. Review status: criteria provided, single submitter. Criteria: Invitae Variant Classification Sherloc (09022015). Collection method: clinical testing. Allele origin: unknown.
Comment: This variant is a gross deletion of the genomic region encompassing exon(s) 3-8 of the TCN2 gene. While this deletion is not anticipated to lead to nonsense mediated decay, it is expected to disrupt the C-terminus of the protein. This variant has not been reported in the literature in individuals affected with TCN2-related conditions. This variant disrupts a region of the TCN2 protein in which other variant(s) (p.Arg399*) have been determined to be pathogenic (PMID: 18956254, 31666257). This suggests that this is a clinically significant region of the protein, and that variants that disrupt it are likely to be disease-causing. For these reasons, this variant has been classified as Pathogenic.

Literature cited by the submitters: PubMed 18956254; PubMed 31666257.